The following is an entry in ClinVar:

NM_002184.4(IL6ST):c.2699G>A (p.Gly900Asp)

Gene: IL6ST (interleukin 6 cytokine family signal transducer; minus strand). Cytogenetic location: 5q11.2.
Variant type: single nucleotide variant.
Coding change: c.2699G>A on transcript NM_002184.4 (MANE Select); coding-DNA position 2699, G replaced by A.
Protein change: p.Gly900Asp; replaces glycine 900 with aspartic acid.
Molecular consequence: missense variant. On other transcripts: 3 prime UTR variant (1), non-coding transcript variant (2).
Genome position (GRCh38, 1-based): chr5:55,941,140, C>T on the plus strand (G>A on the coding strand, the complement: IL6ST is on the minus strand). VCF-style: chr5-55941140-C-T. GRCh37 (hg19) VCF-style: chr5-55236968-C-T.
Other names: c.2516G>A, p.Gly839Asp (NM_001190981.2); c.2597G>A, p.Gly866Asp (NM_001364275.2); c.2489G>A, p.Gly830Asp (NM_001364276.2); c.1832G>A, p.Gly611Asp (NM_001364277.2); c.1796G>A, p.Gly599Asp (NM_001364278.2); c.1703G>A, p.Gly568Asp (NM_001364279.2); c.*1626G>A (NM_175767.3); short protein forms G568D, G599D, G830D, G866D, G611D, G839D, G900D.
Identifiers: ClinVar variation 1901498 (VCV001901498.5), dbSNP rs750176665, ClinGen allele CA3271111.
Genomic context (GRCh38, chr5:55,941,140, plus strand): 5'-CTTCACTGAGGCATGTAGCCGCCTTGCCGTACAGTCTGTGGTAAGTAACTTTTAGGCATG[C>T]CTTCATCAGTCGCAGCCTCCATGCCAACTGTTTCAAATCTTTCTACTTGTCCCTCAGTAC-3'
Protein context (NP_002175.2, residues 890-910): TVGMEAATDE[Gly900Asp]MPKSYLPQTV

ClinVar aggregate classification (germline): Uncertain significance (1 of 4 stars; one submission).

Allele frequency attached by ClinVar (database versions not stated): ExAC 0.00001; TOPMed 0.00001; gnomAD exomes below 0.00001.
gnomAD v4.1: 1 of 1,613,968 alleles (0.000062%); highest among the groups gnomAD compares: African/African-American, 0.0013%; no homozygotes.

Submission:

Labcorp Genetics (formerly Invitae), Labcorp
Classification: Uncertain significance. Last evaluated: 2022-05-15. Review status: criteria provided, single submitter. Criteria: Invitae Variant Classification Sherloc (09022015). Collection method: clinical testing. Allele origin: germline.
Comment: This sequence change replaces glycine, which is neutral and non-polar, with aspartic acid, which is acidic and polar, at codon 900 of the IL6ST protein (p.Gly900Asp). This variant is present in population databases (rs750176665, gnomAD 0.007%). This variant has not been reported in the literature in individuals affected with IL6ST-related conditions. Algorithms developed to predict the effect of missense changes on protein structure and function output the following: SIFT: "Tolerated"; PolyPhen-2: "Benign"; Align-GVGD: "Class C0". The aspartic acid amino acid residue is found in multiple mammalian species, which suggests that this missense change does not adversely affect protein function. In summary, the available evidence is currently insufficient to determine the role of this variant in disease. Therefore, it has been classified as a Variant of Uncertain Significance.